The following is an entry in ClinVar:

ClinVar aggregate classification (germline): Uncertain significance (1 of 4 stars; one submission).

Conditions:
Hereditary cancer-predisposing syndrome. Also called: Hereditary neoplastic syndrome; Tumor predisposition; Hereditary Cancer Syndrome; Neoplastic Syndromes, Hereditary. Identifiers: Orphanet 140162, MedGen C0027672, MeSH D009386, MONDO:0015356.

Submission:

Ambry Genetics
Classification: Uncertain significance for Hereditary cancer-predisposing syndrome. Last evaluated: 2023-09-07. Review status: criteria provided, single submitter. Criteria: Ambry Variant Classification Scheme 2023. Collection method: clinical testing. Allele origin: germline.
Comment: The p.S454R variant (also known as c.1360A>C), located in coding exon 9 of the BRCA1 gene, results from an A to C substitution at nucleotide position 1360. The serine at codon 454 is replaced by arginine, an amino acid with dissimilar properties. This amino acid position is not well conserved in available vertebrate species. In addition, the in silico prediction for this alteration is inconclusive. Since supporting evidence is limited at this time, the clinical significance of this alteration remains unclear.

NM_007294.4(BRCA1):c.1360A>C (p.Ser454Arg)

Gene: BRCA1 (BRCA1 DNA repair associated; minus strand). Cytogenetic location: 17q21.31.
Variant type: single nucleotide variant.
Coding change: c.1360A>C on transcript NM_007294.4 (MANE Select); coding-DNA position 1360, A replaced by C.
Protein change: p.Ser454Arg; replaces serine 454 with arginine.
Molecular consequence: missense variant. On other transcripts: intron variant (137).
Genome position (GRCh38, 1-based): chr17:43,094,171, T>G on the plus strand (A>C on the coding strand, the complement: BRCA1 is on the minus strand). VCF-style: chr17-43094171-T-G. GRCh37 (hg19) VCF-style: chr17-41246188-T-G.
Other names: c.1147A>C, p.Ser383Arg (NM_001407571.1, NM_001407853.1, NM_001407894.1 and 9 more transcripts); c.1360A>C, p.Ser454Arg (NM_001407581.1, NM_001407582.1, NM_001407583.1 and 30 more transcripts); c.1357A>C, p.Ser453Arg (NM_001407587.1, NM_001407590.1, NM_001407591.1 and 22 more transcripts); c.1219A>C, p.Ser407Arg (NM_001407738.1, NM_001407739.1, NM_001407750.1 and 29 more transcripts); c.1216A>C, p.Ser406Arg (NM_001407740.1, NM_001407741.1, NM_001407742.1 and 20 more transcripts); c.1351A>C, p.Ser451Arg (NM_001407646.1, NM_001407647.1); c.1237A>C, p.Ser413Arg (NM_001407648.1, NM_001407664.1, NM_001407665.1 and 19 more transcripts); c.1234A>C, p.Ser412Arg (NM_001407649.1, NM_001407670.1, NM_001407671.1 and 11 more transcripts); and 40 more; short protein forms S158R, S286R, S326R, S342R, S366R, S407R, S327R, S365R.
Identifiers: ClinVar variation 2585838 (VCV002585838.2), dbSNP rs2053951276, ClinGen allele CA10599331.